The following is an entry in ClinVar:

NM_001377265.1(MAPT):c.*2972T>C

Gene: MAPT (microtubule associated protein tau). Cytogenetic location: 17q21.31.
Variant type: single nucleotide variant.
Coding change: c.*2972T>C on transcript NM_001377265.1 (MANE Select); 2972 bases downstream of the stop codon, T replaced by C.
Molecular consequence: 3 prime UTR variant. On other transcripts: non-coding transcript variant (1).
Genome position (GRCh38, 1-based): chr17:46,027,143, T>C. VCF-style: chr17-46027143-T-C. GRCh37 (hg19) VCF-style: chr17-44104509-T-C.
Other names: c.*2972T>C (NM_001123066.4, NM_001123067.4, NM_001203251.2 and 7 more transcripts); c.*1955T>C (NM_001377267.1).
Identifiers: ClinVar variation 323711 (VCV000323711.7), dbSNP rs17574228, ClinGen allele CA10645927.

ClinVar aggregate classification (germline): Benign. Review status: criteria provided, multiple submitters, no conflicts (2 of 4 stars). 2 submissions from 2 submitters: Benign (2). Last evaluated 2018-01-13.

Conditions:
MAPT-Related Spectrum Disorders.

Allele frequency attached by ClinVar (database versions not stated): TOPMed 0.14813; 1000 Genomes Project 30x 0.08542; 1000 Genomes Project 0.08626; gnomAD exomes 0.10345; gnomAD 0.14179 and 0.14466.
gnomAD v4.1: 21,802 of 152,328 alleles (14%); highest among the groups gnomAD compares: Non-Finnish European, 22%; 2,129 homozygotes.

Submissions (2):

Illumina Laboratory Services, Illumina
Classification: Benign for MAPT-Related Spectrum Disorders. Last evaluated: 2018-01-13. Review status: criteria provided, single submitter. Criteria: ICSL Variant Classification Criteria 13 December 2019. Collection method: clinical testing. Allele origin: germline.
Comment: This variant was observed in the ICSL laboratory as part of a predisposition screen in an ostensibly healthy population. It had not been previously curated by ICSL or reported in the Human Gene Mutation Database (HGMD: prior to June 1st, 2018), and was therefore a candidate for classification through an automated scoring system. Utilizing variant allele frequency, disease prevalence and penetrance estimates, and inheritance mode, an automated score was calculated to assess if this variant is too frequent to cause the disease. Based on the score and internal cut-off values, a variant classified as benign is not then subjected to further curation. The score for this variant resulted in a classification of benign for this disease.

Breakthrough Genomics
Classification: Benign. Review status: criteria provided, single submitter. Criteria: ACMG Guidelines, 2015. Collection method: not provided. Allele origin: germline. Inheritance: Autosomal recessive inheritance. Affected: yes.